The following is an entry in ClinVar:

NM_000218.3(KCNQ1):c.1394-13692A>T

Genes: KCNQ1 (potassium voltage-gated channel subfamily Q member 1; plus strand), KCNQ1OT1 (KCNQ1 opposite strand/antisense transcript 1; minus strand). Cytogenetic location: 11p15.5.
Variant type: single nucleotide variant.
Coding change: c.1394-13692A>T on transcript NM_000218.3 (MANE Select); 13692 bases into the intron before coding-DNA position 1394, A replaced by T.
Molecular consequence: intron variant. On other transcripts: non-coding transcript variant (1).
Genome position (GRCh38, 1-based): chr11:2,648,269, A>T. VCF-style: chr11-2648269-A-T. GRCh37 (hg19) VCF-style: chr11-2669499-A-T.
Other names: c.1124-13692A>T (NM_001406837.1); c.1298-13692A>T (NM_001406836.1); c.854-13692A>T (NM_001406838.1); c.1013-13692A>T (NM_181798.2).
Identifiers: ClinVar variation 2641428 (VCV002641428.24), dbSNP rs141158179, ClinGen allele CA216160608.
Genomic context (GRCh38, chr11:2,648,269, plus strand): 5'-GGTGGGGGGGAGGCCTCATTTCATTGATCTTTTGTCTTTTTTACCTTTTATCTCTATTTC[A>T]TTTAGATCTGCTCTGATCTTTACTATTTATTTCCTTCTAATTTTAGGTTTGATTTGTTCT-3'

ClinVar aggregate classification (germline): Benign (1 of 4 stars; one submission).

Allele frequency attached by ClinVar (database versions not stated): gnomAD 0.00085; TOPMed 0.00085; gnomAD exomes 0.00112; 1000 Genomes Project 30x 0.00125; 1000 Genomes Project 0.00160.
gnomAD v4.1: 412 of 398,428 alleles (0.1%); highest among the groups gnomAD compares: Middle Eastern, 0.82%; 2 homozygotes.

Submission:

CeGaT Center for Human Genetics Tuebingen
Classification: Benign. Last evaluated: 2026-09-01. Review status: criteria provided, single submitter. Criteria: CeGaT Center For Human Genetics Tuebingen Variant Classification Criteria Version 2. Collection method: clinical testing. Allele origin: germline. Affected: yes. Observed: 20 variant alleles.
Comment: KCNQ1OT1: BS1, BS2